The following is an entry in ClinVar:

NM_207352.4(CYP4V2):c.1573C>T (p.Arg525Cys)

Gene: CYP4V2 (cytochrome P450 family 4 subfamily V member 2; plus strand). Cytogenetic location: 4q35.2.
Variant type: single nucleotide variant.
Coding change: c.1573C>T on transcript NM_207352.4 (MANE Select); coding-DNA position 1573, C replaced by T.
Protein change: p.Arg525Cys; replaces arginine 525 with cysteine.
Molecular consequence: missense variant.
Genome position (GRCh38, 1-based): chr4:186,210,636, C>T. VCF-style: chr4-186210636-C-T. GRCh37 (hg19) VCF-style: chr4-187131790-C-T.
Other names: short protein forms R525C.
Identifiers: ClinVar variation 954493 (VCV000954493.10), dbSNP rs140450256, ClinGen allele CA3162897.

ClinVar aggregate classification (germline): Uncertain significance. Review status: criteria provided, multiple submitters, no conflicts (2 of 4 stars). 3 submissions from 3 submitters: Uncertain significance (3). Last evaluated 2024-05-14.

Conditions:
Bietti crystalline corneoretinal dystrophy (BCD). Also called: Bietti Crystalline Dystrophy; BIETTI TAPETORETINAL DEGENERATION WITH MARGINAL CORNEAL DYSTROPHY. Identifiers: Orphanet 41751, MedGen C1859486, MONDO:0008865, OMIM 210370.
Inborn genetic diseases. Identifiers: MedGen C0950123, MeSH D030342.

Allele frequency attached by ClinVar (database versions not stated): TOPMed 0.00005; ESP Exome Variant Server 0.00015; 1000 Genomes Project 30x 0.00016; 1000 Genomes Project 0.00020.
gnomAD v4.1: 30 of 1,613,970 alleles (0.0019%); highest among the groups gnomAD compares: African/African-American, 0.012%; no homozygotes.

Submissions (3):

Revvity Omics, Revvity
Classification: Uncertain significance for Bietti crystalline corneoretinal dystrophy. Last evaluated: 2024-05-14. Review status: criteria provided, single submitter. Criteria: ACMG Guidelines, 2015. Collection method: clinical testing. Allele origin: germline.

Labcorp Genetics (formerly Invitae), Labcorp
Classification: Uncertain significance. Last evaluated: 2022-11-08. Review status: criteria provided, single submitter. Criteria: Invitae Variant Classification Sherloc (09022015). Collection method: clinical testing. Allele origin: germline.
Comment: In summary, the available evidence is currently insufficient to determine the role of this variant in disease. Therefore, it has been classified as a Variant of Uncertain Significance. Advanced modeling of protein sequence and biophysical properties (such as structural, functional, and spatial information, amino acid conservation, physicochemical variation, residue mobility, and thermodynamic stability) has been performed at Invitae for this missense variant, however the output from this modeling did not meet the statistical confidence thresholds required to predict the impact of this variant on CYP4V2 protein function. ClinVar contains an entry for this variant (Variation ID: 954493). This variant has not been reported in the literature in individuals affected with CYP4V2-related conditions. The frequency data for this variant in the population databases is considered unreliable, as metrics indicate poor data quality at this position in the gnomAD database. This sequence change replaces arginine, which is basic and polar, with cysteine, which is neutral and slightly polar, at codon 525 of the CYP4V2 protein (p.Arg525Cys).

Ambry Genetics
Classification: Uncertain significance for Inborn genetic diseases. Last evaluated: 2021-10-14. Review status: criteria provided, single submitter. Criteria: Ambry Variant Classification Scheme 2023. Collection method: clinical testing. Allele origin: germline.